The following is an entry in ClinVar:

NM_005506.4(SCARB2):c.545A>G (p.Asp182Gly)

Gene: SCARB2 (scavenger receptor class B member 2; minus strand). Cytogenetic location: 4q21.1.
Variant type: single nucleotide variant.
Coding change: c.545A>G on transcript NM_005506.4 (MANE Select); coding-DNA position 545, A replaced by G.
Protein change: p.Asp182Gly; replaces aspartic acid 182 with glycine.
Molecular consequence: missense variant. On other transcripts: intron variant (1).
Genome position (GRCh38, 1-based): chr4:76,179,584, T>C on the plus strand (A>G on the coding strand, the complement: SCARB2 is on the minus strand). VCF-style: chr4-76179584-T-C. GRCh37 (hg19) VCF-style: chr4-77100737-T-C.
Other names: c.276-3674A>G (NM_001204255.2); short protein forms D182G.
Identifiers: ClinVar variation 1314176 (VCV001314176.2), dbSNP rs1195973878, ClinGen allele CA357326787.

ClinVar aggregate classification (germline): Uncertain significance (1 of 4 stars; one submission).

Allele frequency attached by ClinVar (database versions not stated): gnomAD exomes below 0.00001.

Submission:

GeneDx
Classification: Uncertain significance. Last evaluated: 2021-03-04. Review status: criteria provided, single submitter. Criteria: GeneDx Variant Classification Process June 2021. Collection method: clinical testing. Allele origin: germline. Affected: yes.
Comment: Not observed at a significant frequency in large population cohorts (Lek et al., 2016); In silico analysis supports that this missense variant has a deleterious effect on protein structure/function; Has not been previously published as pathogenic or benign to our knowledge